The following is an entry in ClinVar:

NM_001349338.3(FOXP1):c.338A>C (p.Gln113Pro)

Gene: FOXP1 (forkhead box P1; minus strand). Cytogenetic location: 3p13.
Variant type: single nucleotide variant.
Coding change: c.338A>C on transcript NM_001349338.3 (MANE Select); coding-DNA position 338, A replaced by C.
Protein change: p.Gln113Pro; replaces glutamine 113 with proline.
Molecular consequence: missense variant. On other transcripts: non-coding transcript variant (2), intron variant (1).
Genome position (GRCh38, 1-based): chr3:71,053,718, T>G on the plus strand (A>C on the coding strand, the complement: FOXP1 is on the minus strand). VCF-style: chr3-71053718-T-G. GRCh37 (hg19) VCF-style: chr3-71102869-T-G.
Other names: c.338A>C, p.Gln113Pro (NM_001244808.3, NM_001244810.2, NM_001244814.3 and 5 more transcripts); c.38A>C, p.Gln13Pro (NM_001244813.3, NM_001244815.2, NM_001349337.2 and 4 more transcripts); c.283-6623A>C (NM_001244812.3); short protein forms Q113P, Q13P.
Identifiers: ClinVar variation 2983043 (VCV002983043.3), dbSNP rs371628892, ClinGen allele CA2491278.

ClinVar aggregate classification (germline): Uncertain significance (1 of 4 stars; one submission).

Allele frequency attached by ClinVar (database versions not stated): ESP Exome Variant Server 0.00008; gnomAD exomes below 0.00001; ExAC 0.00001.
gnomAD v4.1: 4 of 1,614,102 alleles (0.00025%); highest among the groups gnomAD compares: Non-Finnish European, 0.00025%; no homozygotes.

Submission:

Labcorp Genetics (formerly Invitae), Labcorp
Classification: Uncertain significance. Last evaluated: 2025-03-17. Review status: criteria provided, single submitter. Criteria: Invitae Variant Classification Sherloc (09022015). Collection method: clinical testing. Allele origin: germline.
Comment: This sequence change replaces glutamine, which is neutral and polar, with proline, which is neutral and non-polar, at codon 113 of the FOXP1 protein (p.Gln113Pro). This variant is present in population databases (rs371628892, gnomAD 0.002%). This variant has not been reported in the literature in individuals affected with FOXP1-related conditions. ClinVar contains an entry for this variant (Variation ID: 2983043). Invitae Evidence Modeling of protein sequence and biophysical properties (such as structural, functional, and spatial information, amino acid conservation, physicochemical variation, residue mobility, and thermodynamic stability) indicates that this missense variant is expected to disrupt FOXP1 protein function with a positive predictive value of 80%. In summary, the available evidence is currently insufficient to determine the role of this variant in disease. Therefore, it has been classified as a Variant of Uncertain Significance.